The following is an entry in ClinVar:

ClinVar aggregate classification (germline): Benign/Likely benign. Review status: criteria provided, multiple submitters, no conflicts (2 of 4 stars). 8 submissions from 8 submitters: Benign (4); Likely benign (3). 1 of the submissions does not count toward it. Last evaluated 2026-02-01.

Conditions:
Cardiovascular phenotype. Identifiers: MedGen CN230736.
ZNF469-related disorder. Also called: ZNF469-related condition.
Ehlers-Danlos syndrome (EDS). Identifiers: Orphanet 98249, MedGen C0013720, MONDO:0020066.

Allele frequency attached by ClinVar (database versions not stated): gnomAD exomes 0.00140 and 0.00054; ExAC 0.00291; 1000 Genomes Project 30x 0.00047; TOPMed 0.00049; gnomAD 0.00052 and 0.00059; 1000 Genomes Project 0.00060.
gnomAD v4.1: 886 of 1,549,974 alleles (0.057%); highest among the groups gnomAD compares: South Asian, 0.21%; 4 homozygotes.

Submissions (8):

Labcorp Genetics (formerly Invitae), Labcorp
Classification: Benign. Last evaluated: 2026-02-01. Review status: criteria provided, single submitter. Criteria: Invitae Variant Classification Sherloc (09022015). Collection method: clinical testing. Allele origin: germline.

CeGaT Center for Human Genetics Tuebingen
Classification: Benign. Last evaluated: 2025-12-01. Review status: criteria provided, single submitter. Criteria: CeGaT Center For Human Genetics Tuebingen Variant Classification Criteria Version 2. Collection method: clinical testing. Allele origin: germline. Affected: yes. Observed: 4 variant alleles.
Comment: ZNF469: BP4, BS1, BS2

Mayo Clinic Laboratories, Mayo Clinic
Classification: Likely benign. Last evaluated: 2025-04-14. Review status: criteria provided, single submitter. Criteria: ACMG Guidelines, 2015. Collection method: clinical testing. Allele origin: germline. Observed: 2 variant alleles.
Comment: BS1, BP4_moderate

Blueprint Genetics
Classification: Likely benign. Last evaluated: 2024-11-26. Review status: criteria provided, single submitter. Criteria: ACMG Guidelines, 2015. Collection method: clinical testing. Allele origin: germline.

Genome Diagnostics Laboratory, The Hospital for Sick Children
Classification: Likely benign for Ehlers-Danlos syndrome. Last evaluated: 2021-09-24. Review status: criteria provided, single submitter. Criteria: ACMG Guidelines, 2015. Collection method: clinical testing. Allele origin: germline.

Ambry Genetics
Classification: Benign for Cardiovascular phenotype. Last evaluated: 2021-03-25. Review status: criteria provided, single submitter. Criteria: Ambry Variant Classification Scheme 2023. Collection method: clinical testing. Allele origin: germline.

GeneDx
Classification: Benign. Last evaluated: 2020-10-20. Review status: criteria provided, single submitter. Criteria: GeneDx Variant Classification Process June 2021. Collection method: clinical testing. Allele origin: germline. Affected: yes.
Comment: This variant is associated with the following publications: (PMID: 31107761)

PreventionGenetics, part of Exact Sciences
Classification: Likely benign for ZNF469-related condition. Last evaluated: 2020-02-25. Review status: no assertion criteria provided. Collection method: clinical testing. Allele origin: germline. Not counted in ClinVar's aggregate classification.
Comment: This variant is classified as likely benign based on ACMG/AMP sequence variant interpretation guidelines (Richards et al. 2015 PMID: 25741868, with internal and published modifications).

Literature cited by the submitters: PubMed 31107761 (cited by Mayo Clinic Laboratories, Mayo Clinic and Ambry Genetics).

NM_001367624.2(ZNF469):c.11203A>G (p.Ser3735Gly)

Gene: ZNF469 (zinc finger protein 469; plus strand). Cytogenetic location: 16q24.2.
Variant type: single nucleotide variant.
Coding change: c.11203A>G on transcript NM_001367624.2 (MANE Select); coding-DNA position 11203, A replaced by G.
Protein change: p.Ser3735Gly; replaces serine 3735 with glycine.
Molecular consequence: missense variant.
Genome position (GRCh38, 1-based): chr16:88,438,673, A>G. VCF-style: chr16-88438673-A-G. GRCh37 (hg19) VCF-style: chr16-88505081-A-G.
Other names: NM_001127464.1:c.11119A>G; NM_001127464.2:c.11119A>G; p.Ser3735Gly; short protein forms S3735G.
Identifiers: ClinVar variation 321024 (VCV000321024.47), dbSNP rs536054902, ClinGen allele CA8225591.
Genomic context (GRCh38, chr16:88,438,673, plus strand): 5'-ACAGAGAATGGGATGAAGCCCGCCACCCCCAAAGCCAAACCCGGCCCCAGCTCCCAGGGC[A>G]GTGGAAGCCCTCGCCCCGGCACCAAGACAGGAGGTGGCAGCCAGCCCCAGCCAGCCAGCG-3'
Protein context (NP_001354553.1, residues 3725-3745): KAKPGPSSQG[Ser3735Gly]GSPRPGTKTG